The following is an entry in ClinVar:

NM_004655.4(AXIN2):c.1500C>T (p.Leu500=)

Gene: AXIN2 (axin 2; minus strand). Cytogenetic location: 17q24.1.
Variant type: single nucleotide variant.
Coding change: c.1500C>T on transcript NM_004655.4 (MANE Select); coding-DNA position 1500, C replaced by T.
Protein change: p.Leu500=; no amino-acid change (leucine 500 retained).
Molecular consequence: synonymous variant.
Genome position (GRCh38, 1-based): chr17:65,537,536, G>A on the plus strand (C>T on the coding strand, the complement: AXIN2 is on the minus strand). VCF-style: chr17-65537536-G-A. GRCh37 (hg19) VCF-style: chr17-63533654-G-A.
Other names: c.1500C>T (LRG_296t1); c.1500C>T, p.Leu500= (NM_001363813.1).
Identifiers: ClinVar variation 464555 (VCV000464555.16), dbSNP rs745903369, ClinGen allele CA8718628.

ClinVar aggregate classification (germline): Benign/Likely benign. Review status: criteria provided, multiple submitters, no conflicts (2 of 4 stars). 3 submissions from 3 submitters: Benign (1); Likely benign (2). Last evaluated 2025-12-20.

Conditions:
Hereditary cancer-predisposing syndrome. Also called: Neoplastic Syndromes, Hereditary; Tumor predisposition; Hereditary Cancer Syndrome; Hereditary neoplastic syndrome. Identifiers: Orphanet 140162, MedGen C0027672, MeSH D009386, MONDO:0015356.
Oligodontia-cancer predisposition syndrome. Also called: TOOTH AGENESIS-COLORECTAL CANCER SYNDROME. Identifiers: Orphanet 300576, MedGen C1837750, MONDO:0012075, OMIM 608615. Disease mechanism: loss of function.

Allele frequency attached by ClinVar (database versions not stated): ExAC 0.00001; gnomAD 0.00001; gnomAD exomes 0.00001; TOPMed 0.00001.
gnomAD v4.1: 3 of 1,613,298 alleles (0.00019%); highest among the groups gnomAD compares: Non-Finnish European, 0.00025%; no homozygotes.

Submissions (3):

Labcorp Genetics (formerly Invitae), Labcorp
Classification: Likely benign for Oligodontia-cancer predisposition syndrome. Last evaluated: 2025-12-20. Review status: criteria provided, single submitter. Criteria: Invitae Variant Classification Sherloc (09022015). Collection method: clinical testing. Allele origin: germline.

Myriad Genetics, Inc.
Classification: Benign for Oligodontia-cancer predisposition syndrome. Last evaluated: 2024-07-03. Review status: criteria provided, single submitter. Criteria: Myriad Autosomal Dominant, Autosomal Recessive and X-Linked Classification Criteria (2023). Collection method: clinical testing. Allele origin: unknown.
Comment: This variant is considered benign. This variant is a silent/synonymous amino acid change and it is not expected to impact splicing.

Ambry Genetics
Classification: Likely benign for Hereditary cancer-predisposing syndrome. Last evaluated: 2021-12-27. Review status: criteria provided, single submitter. Criteria: Ambry Variant Classification Scheme 2023. Collection method: clinical testing. Allele origin: germline.